The following is an entry in ClinVar:

ClinVar aggregate classification (germline): Uncertain significance. Review status: reviewed by expert panel (3 of 4 stars). 5 submissions from 5 submitters: Uncertain significance (1). 4 of the submissions do not count toward it. Last evaluated 2025-11-03.

Conditions:
Hurler syndrome. Also called: MUCOPOLYSACCHARIDOSIS TYPE IH; Gargoylism, Hurler Syndrome; Severe MPS I (Hurler Syndrome). Identifiers: Orphanet 93473, MedGen C0086795, MONDO:0011758, OMIM 607014.
Mucopolysaccharidosis type 1. Also called: IDUA deficiency; MPS I; Mucopolysaccharidosis Type I. Identifiers: Orphanet 579, MedGen C0023786, MONDO:0001586.

Allele frequency attached by ClinVar (database versions not stated): ExAC 0.00003; gnomAD exomes below 0.00001; TOPMed 0.00001; gnomAD 0.00001.
gnomAD v4.1: 2 of 1,570,946 alleles (0.00013%); highest among the groups gnomAD compares: Admixed American, 0.0037%; no homozygotes.

Submissions (5):

ClinGen Lysosomal Storage Disorder Variant Curation Expert Panel
Classification: Uncertain significance for Mucopolysaccharidosis type 1. Last evaluated: 2025-11-03. Review status: reviewed by expert panel. Criteria: ClinGen LSD ACMG Specifications IDUA V1.1.0. Collection method: curation. Allele origin: germline. Inheritance: Autosomal recessive inheritance.
Comment: The NM_000203.5:c.299G>A variant in IDUA is a missense variant predicted to cause substitution of Arginine by Lysine at amino acid 100 (p.Arg100Lys). To our knowledge, this variant has not been reported in the literature in any individuals with MPS1. The highest population minor allele frequency in gnomAD v4.1.0 is 0.00003 (2/54020 alleles) in the Admixed American population, which is lower than the ClinGen Lysosomal Diseases VCEP’s threshold for PM2_Supporting (<0.00025), meeting this criterion (PM2_Supporting). The computational predictor REVEL gives a score of 0.56 which is neither above nor below the thresholds predicting a damaging (>0.644) or benign (<0.29) impact on IDUA function. A functional study reported the relative specific activity (RSA) values for this variant was indistinguishable from the wild type enzyme, however the authors note that that this variant may affect splicing rather than having a missense associated effect on enzyme activity (PMID 39702574). The computational splicing predictor SpliceAI gives a score of 0.92 for donor loss, predicting that the variant disrupts the donor splice site of intron 2 of IDUA (PP3). There is a ClinVar entry for this variant (Variation ID: 281005). In summary, this variant meets the criteria to be classified as a variant of uncertain significance for MPS I based on the IDIA-specific ACMG/AMP criteria applied, as specified by the ClinGen Lysosomal Diseases Variant Curation Expert Panel (Specifications Version 1.1.0): PM2_supporting, PP3 (Classification approved by the ClinGen Lysosomal Diseases Variant Curation Expert Panel on November 3, 2025)

Women's Health and Genetics/Laboratory Corporation of America, LabCorp
Classification: Uncertain significance. Last evaluated: 2025-09-05. Review status: criteria provided, single submitter. Criteria: LabCorp Variant Classification Summary - May 2015. Collection method: clinical testing. Allele origin: germline. Not counted in ClinVar's aggregate classification.
Comment: Variant summary: IDUA c.299G>A (p.Arg100Lys) results in a conservative amino acid change in the encoded protein sequence. Algorithms developed to predict the effect of missense changes on protein structure and function are either unavailable or do not agree on the potential impact of this missense change. Several computational tools predict a significant impact on normal splicing: Two predict the variant abolishes a 5' splicing donor site. Two predict the variant weakens a 5' donor site. However, these predictions have yet to be confirmed by functional studies. The frequency data for this variant in gnomAD is considered unreliable, as metrics indicate poor data quality at this position. To our knowledge, no occurrence of c.299G>A in individuals affected with IDUA-related conditions and no experimental evidence demonstrating its impact on protein function have been reported. ClinVar contains an entry for this variant (Variation ID: 281005). Based on the evidence outlined above, the variant was classified as uncertain significance.

Labcorp Genetics (formerly Invitae), Labcorp
Classification: Uncertain significance for Mucopolysaccharidosis type 1. Last evaluated: 2024-08-28. Review status: criteria provided, single submitter. Criteria: Invitae Variant Classification Sherloc (09022015). Collection method: clinical testing. Allele origin: germline. Not counted in ClinVar's aggregate classification.
Comment: This sequence change replaces arginine, which is basic and polar, with lysine, which is basic and polar, at codon 100 of the IDUA protein (p.Arg100Lys). This variant also falls at the last nucleotide of exon 2, which is part of the consensus splice site for this exon. The frequency data for this variant in the population databases is considered unreliable, as metrics indicate poor data quality at this position in the gnomAD database. This variant has not been reported in the literature in individuals affected with IDUA-related conditions. ClinVar contains an entry for this variant (Variation ID: 281005). An algorithm developed to predict the effect of missense changes on protein structure and function (PolyPhen-2) suggests that this variant is likely to be tolerated. Variants that disrupt the consensus splice site are a relatively common cause of aberrant splicing (PMID: 17576681, 9536098). Algorithms developed to predict the effect of sequence changes on RNA splicing suggest that this variant may disrupt the consensus splice site. In summary, the available evidence is currently insufficient to determine the role of this variant in disease. Therefore, it has been classified as a Variant of Uncertain Significance.

Eurofins Ntd Llc (ga)
Classification: Uncertain significance. Last evaluated: 2015-09-01. Review status: criteria provided, single submitter. Criteria: EGL Classification Definitions 2015. Collection method: clinical testing. Allele origin: germline. Observed: 1 variant allele, 1 heterozygote. Not counted in ClinVar's aggregate classification.

Counsyl
Classification: Uncertain significance for Hurler syndrome. Last evaluated: 2017-10-18. Review status: no assertion criteria provided. Collection method: clinical testing. Allele origin: unknown. Not counted in ClinVar's aggregate classification.

Literature cited by the submitters: PubMed 17576681 (cited by Labcorp Genetics (formerly Invitae), Labcorp); PubMed 9536098 (cited by Labcorp Genetics (formerly Invitae), Labcorp).

NM_000203.5(IDUA):c.299G>A (p.Arg100Lys)

Genes: SLC26A1 (solute carrier family 26 member 1; minus strand), IDUA (alpha-L-iduronidase; plus strand). Cytogenetic location: 4p16.3.
Variant type: single nucleotide variant.
Coding change: c.299G>A on transcript NM_000203.5 (MANE Select); coding-DNA position 299, G replaced by A.
Protein change: p.Arg100Lys; replaces arginine 100 with lysine.
Molecular consequence: missense variant. On other transcripts: 3 prime UTR variant (2), non-coding transcript variant (1), intron variant (1).
Genome position (GRCh38, 1-based): chr4:987,949, G>A. VCF-style: chr4-987949-G-A. GRCh37 (hg19) VCF-style: chr4-981737-G-A.
Other names: NM_000203.5(IDUA):c.299G>A; p.Arg100Lys; c.*884C>T (NM_022042.4, NM_213613.4); c.576+3179C>T (NM_134425.4); short protein forms R100K.
Identifiers: ClinVar variation 281005 (VCV000281005.9), dbSNP rs777698606, ClinGen allele CA2801160.